The following is an entry in ClinVar:

NM_001165963.4(SCN1A):c.5559T>G (p.Asp1853Glu)

Genes: SCN1A (sodium voltage-gated channel alpha subunit 1; minus strand), LOC102724058 (uncharacterized LOC102724058; plus strand). Cytogenetic location: 2q24.3.
Variant type: single nucleotide variant.
Coding change: c.5559T>G on transcript NM_001165963.4 (MANE Select); coding-DNA position 5559, T replaced by G.
Protein change: p.Asp1853Glu; replaces aspartic acid 1853 with glutamic acid.
Molecular consequence: missense variant. On other transcripts: non-coding transcript variant (1).
Genome position (GRCh38, 1-based): chr2:165,991,716, A>C on the plus strand (T>G on the coding strand, the complement: SCN1A is on the minus strand). VCF-style: chr2-165991716-A-C. GRCh37 (hg19) VCF-style: chr2-166848226-A-C.
Other names: c.5472T>G, p.Asp1824Glu (NM_001353960.2); c.3117T>G, p.Asp1039Glu (NM_001353961.2); c.5526T>G, p.Asp1842Glu (NM_006920.6, NM_001353949.2, NM_001353950.2 and 2 more transcripts); c.5475T>G, p.Asp1825Glu (NM_001165964.3, NM_001353957.2, NM_001353958.2); c.5559T>G, p.Asp1853Glu (NM_001202435.3, NM_001353948.2); c.5523T>G, p.Asp1841Glu (NM_001353954.2, NM_001353955.2); short protein forms D1825E, D1841E, D1842E, D1853E, D1039E, D1824E.
Identifiers: ClinVar variation 3633997 (VCV003633997.2).

ClinVar aggregate classification (germline): Uncertain significance (1 of 4 stars; one submission).

Conditions:
Early-infantile DEE. Also called: Early infantile epileptic encephalopathy; Ohtahara syndrome; Early infantile epileptic encephalopathy with suppression bursts. Identifiers: Orphanet 1934, MedGen C0393706, MONDO:0800491.

Submission:

Labcorp Genetics (formerly Invitae), Labcorp
Classification: Uncertain significance for Early-infantile DEE. Last evaluated: 2024-02-17. Review status: criteria provided, single submitter. Criteria: Invitae Variant Classification Sherloc (09022015). Collection method: clinical testing. Allele origin: germline.
Comment: This sequence change replaces aspartic acid, which is acidic and polar, with glutamic acid, which is acidic and polar, at codon 1853 of the SCN1A protein (p.Asp1853Glu). This variant is not present in population databases (gnomAD no frequency). This variant has not been reported in the literature in individuals affected with SCN1A-related conditions. Advanced modeling of protein sequence and biophysical properties (such as structural, functional, and spatial information, amino acid conservation, physicochemical variation, residue mobility, and thermodynamic stability) has been performed at Invitae for this missense variant, however the output from this modeling did not meet the statistical confidence thresholds required to predict the impact of this variant on SCN1A protein function. In summary, the available evidence is currently insufficient to determine the role of this variant in disease. Therefore, it has been classified as a Variant of Uncertain Significance.